The following is an entry in ClinVar:

NM_000552.5(VWF):c.353T>C (p.Leu118Pro)

Gene: VWF (von Willebrand factor; minus strand). Cytogenetic location: 12p13.31.
Variant type: single nucleotide variant.
Coding change: c.353T>C on transcript NM_000552.5 (MANE Select); coding-DNA position 353, T replaced by C.
Protein change: p.Leu118Pro; replaces leucine 118 with proline.
Molecular consequence: missense variant.
Genome position (GRCh38, 1-based): chr12:6,110,553, A>G on the plus strand (T>C on the coding strand, the complement: VWF is on the minus strand). VCF-style: chr12-6110553-A-G. GRCh37 (hg19) VCF-style: chr12-6219719-A-G.
Other names: short protein forms L118P.
Identifiers: ClinVar variation 3068897 (VCV003068897.2), dbSNP rs2497299317, ClinGen allele CA383518925.

ClinVar aggregate classification (germline): Uncertain significance (1 of 4 stars; one submission).

Submission:

Women's Health and Genetics/Laboratory Corporation of America, LabCorp
Classification: Uncertain significance. Last evaluated: 2024-02-07. Review status: criteria provided, single submitter. Criteria: LabCorp Variant Classification Summary - May 2015. Collection method: clinical testing. Allele origin: germline.
Comment: Variant summary: VWF c.353T>C (p.Leu118Pro) results in a non-conservative amino acid change located in the von Willebrand factor, type D domain (IPR001846) of the encoded protein sequence. Five of five in-silico tools predict a damaging effect of the variant on protein function. The variant was absent in 251492 control chromosomes. The available data on variant occurrences in the general population are insufficient to allow any conclusion about variant significance. To our knowledge, no occurrence of c.353T>C in individuals affected with Von Willebrand Disease and no experimental evidence demonstrating its impact on protein function have been reported. No submitters have cited clinical-significance assessments for this variant to ClinVar. Based on the evidence outlined above, the variant was classified as uncertain significance.